The following is an entry in ClinVar:

ClinVar aggregate classification (germline): Uncertain significance (1 of 4 stars; one submission).

Conditions:
Developmental and epileptic encephalopathy, 21 (DEE21). Also called: Early infantile epileptic encephalopathy 21. Identifiers: Orphanet 442835, MedGen C4014430, MONDO:0014360, OMIM 615833.

Submission:

Labcorp Genetics (formerly Invitae), Labcorp
Classification: Uncertain significance for Developmental and epileptic encephalopathy, 21. Last evaluated: 2020-01-27. Review status: criteria provided, single submitter. Criteria: Invitae Variant Classification Sherloc (09022015). Collection method: clinical testing. Allele origin: germline.
Comment: In summary, the available evidence is currently insufficient to determine the role of this variant in disease. Therefore, it has been classified as a Variant of Uncertain Significance. This sequence change replaces valine with alanine at codon 210 of the NECAP1 protein (p.Val210Ala). The valine residue is highly conserved and there is a small physicochemical difference between valine and alanine. This variant is not present in population databases (ExAC no frequency). This variant has not been reported in the literature in individuals with NECAP1-related conditions. Algorithms developed to predict the effect of missense changes on protein structure and function (SIFT, PolyPhen-2, Align-GVGD) all suggest that this variant is likely to be tolerated, but these predictions have not been confirmed by published functional studies and their clinical significance is uncertain.

NM_015509.4(NECAP1):c.629T>C (p.Val210Ala)

Gene: NECAP1 (NECAP endocytosis associated 1; plus strand). Cytogenetic location: 12p13.31.
Variant type: single nucleotide variant.
Coding change: c.629T>C on transcript NM_015509.4 (MANE Select); coding-DNA position 629, T replaced by C.
Protein change: p.Val210Ala; replaces valine 210 with alanine.
Molecular consequence: missense variant. On other transcripts: non-coding transcript variant (1).
Genome position (GRCh38, 1-based): chr12:8,093,008, T>C. VCF-style: chr12-8093008-T-C. GRCh37 (hg19) VCF-style: chr12-8245604-T-C.
Other names: short protein forms V210A.
Identifiers: ClinVar variation 934296 (VCV000934296.10), dbSNP rs1205804172, ClinGen allele CA383800991.